The following is an entry in ClinVar:

NM_018685.5(ANLN):c.2557A>G (p.Asn853Asp)

Gene: ANLN (anillin, actin binding protein; plus strand). Cytogenetic location: 7p14.2.
Variant type: single nucleotide variant.
Coding change: c.2557A>G on transcript NM_018685.5 (MANE Select); coding-DNA position 2557, A replaced by G.
Protein change: p.Asn853Asp; replaces asparagine 853 with aspartic acid.
Molecular consequence: missense variant.
Genome position (GRCh38, 1-based): chr7:36,423,897, A>G. VCF-style: chr7-36423897-A-G. GRCh37 (hg19) VCF-style: chr7-36463506-A-G.
Other names: c.2557A>G (NM_018685.2); c.2446A>G, p.Asn816Asp (NM_001284301.3); c.2443A>G, p.Asn815Asp (NM_001284302.3); short protein forms N815D, N853D, N816D.
Identifiers: ClinVar variation 3709658 (VCV003709658.3).

ClinVar aggregate classification (germline): Uncertain significance. Review status: criteria provided, multiple submitters, no conflicts (2 of 4 stars). 2 submissions from 2 submitters: Uncertain significance (2). Last evaluated 2025-10-23.

gnomAD v4.1: 58 of 1,612,716 alleles (0.0036%); highest among the groups gnomAD compares: Admixed American, 0.0067%; no homozygotes.

Submissions (2):

Ambry Genetics
Classification: Uncertain significance. Last evaluated: 2025-10-23. Review status: criteria provided, single submitter. Criteria: Ambry Variant Classification Scheme 2023. Collection method: clinical testing. Allele origin: germline.

Labcorp Genetics (formerly Invitae), Labcorp
Classification: Uncertain significance. Last evaluated: 2024-08-29. Review status: criteria provided, single submitter. Criteria: Invitae Variant Classification Sherloc (09022015). Collection method: clinical testing. Allele origin: germline.
Comment: This sequence change replaces asparagine, which is neutral and polar, with aspartic acid, which is acidic and polar, at codon 853 of the ANLN protein (p.Asn853Asp). This variant is present in population databases (rs368255928, gnomAD 0.004%). This variant has not been reported in the literature in individuals affected with ANLN-related conditions. Invitae Evidence Modeling of protein sequence and biophysical properties (such as structural, functional, and spatial information, amino acid conservation, physicochemical variation, residue mobility, and thermodynamic stability) indicates that this missense variant is not expected to disrupt ANLN protein function with a negative predictive value of 80%. In summary, the available evidence is currently insufficient to determine the role of this variant in disease. Therefore, it has been classified as a Variant of Uncertain Significance.